The following is an entry in ClinVar:

NM_018010.4(IFT57):c.1271C>G (p.Pro424Arg)

Gene: IFT57 (intraflagellar transport 57; minus strand). Cytogenetic location: 3q13.12.
Variant type: single nucleotide variant.
Coding change: c.1271C>G on transcript NM_018010.4 (MANE Select); coding-DNA position 1271, C replaced by G.
Protein change: p.Pro424Arg; replaces proline 424 with arginine.
Molecular consequence: missense variant.
Genome position (GRCh38, 1-based): chr3:108,162,496, G>C on the plus strand (C>G on the coding strand, the complement: IFT57 is on the minus strand). VCF-style: chr3-108162496-G-C. GRCh37 (hg19) VCF-style: chr3-107881343-G-C.
Other names: short protein forms P424R.
Identifiers: ClinVar variation 1353255 (VCV001353255.6), dbSNP rs75763868, ClinGen allele CA353912754.

ClinVar aggregate classification (germline): Uncertain significance (1 of 4 stars; one submission).

gnomAD v4.1: 1 of 1,601,358 alleles (0.000062%); highest among the groups gnomAD compares: Non-Finnish European, 0.000085%; no homozygotes.

Submission:

Labcorp Genetics (formerly Invitae), Labcorp
Classification: Uncertain significance. Last evaluated: 2021-11-29. Review status: criteria provided, single submitter. Criteria: Invitae Variant Classification Sherloc (09022015). Collection method: clinical testing. Allele origin: germline.
Comment: This sequence change replaces proline, which is neutral and non-polar, with arginine, which is basic and polar, at codon 424 of the IFT57 protein (p.Pro424Arg). This variant is not present in population databases (gnomAD no frequency). This variant has not been reported in the literature in individuals affected with IFT57-related conditions. Algorithms developed to predict the effect of missense changes on protein structure and function (SIFT, PolyPhen-2, Align-GVGD) all suggest that this variant is likely to be tolerated. In summary, the available evidence is currently insufficient to determine the role of this variant in disease. Therefore, it has been classified as a Variant of Uncertain Significance.